The following is an entry in ClinVar:

NM_024312.5(GNPTAB):c.1698_1701delinsAAG (p.Phe566fs)

Gene: GNPTAB (N-acetylglucosamine-1-phosphate transferase subunits alpha and beta; minus strand). Cytogenetic location: 12q23.2.
Variant type: Indel.
Coding change: c.1698_1701delinsAAG on transcript NM_024312.5 (MANE Select); coding-DNA positions 1698 to 1701, CAGC replaced by AAG.
Protein change: p.Phe566fs; shifts the reading frame from phenylalanine 566.
Molecular consequence: frameshift variant.
Genome position (GRCh38, 1-based): chr12:101,765,216-101,765,219, GCTG replaced by CTT on the plus strand (CAGC replaced by AAG on the coding strand, the reverse complement: GNPTAB is on the minus strand). VCF-style: chr12-101765216-GCTG-CTT. GRCh37 (hg19) VCF-style: chr12-102158994-GCTG-CTT.
Other names: short protein forms F566fs.
Identifiers: ClinVar variation 5013860 (VCV005013860.1).
Genomic context (GRCh38, chr12:101,765,216, plus strand): 5'-TCGAATTATTGGATTGTCACTATAGGCACCTTCAACTCCTCTTTTGGCTACTTCTGCAAA[GCTG>CTT]AAATAAGGCAGGCATTCACCTTTTGGAATAATATAGTGAGTCTGGTTTGGGAGAAGGATC-3'

ClinVar aggregate classification (germline): Pathogenic (1 of 4 stars; one submission).

Conditions:
GNPTAB-mucolipidosis. Also called: UDP-N-acetylglucosamine-1-phosphotransferase subunit alpha/beta deficiency. Identifiers: MedGen CN322573, MONDO:0100122.

Submission:

Myriad Genetics, Inc.
Classification: Pathogenic for GNPTAB-mucolipidosis. Last evaluated: 2024-12-15. Review status: criteria provided, single submitter. Criteria: Myriad Autosomal Dominant, Autosomal Recessive and X-Linked Classification Criteria (2023). Collection method: clinical testing. Allele origin: unknown.
Comment: NM_024312.4(GNPTAB):c.1698_1701delCAGCinsAAG(F566Lfs*6) is expected to be pathogenic in the context of GNPTAB-related disorders. This variant is predicted to lead to an abnormal or absent protein product due to the creation of a premature termination codon in GNPTAB, a gene where loss-of-function variants are known to be pathogenic. Please note: this variant was assessed in the context of healthy population screening.